The following is an entry in ClinVar:

NM_001999.4(FBN2):c.2095+7_2095+22delinsT

Gene: FBN2 (fibrillin 2; minus strand). Cytogenetic location: 5q23.3.
Variant type: Indel.
Coding change: c.2095+7_2095+22delinsT on transcript NM_001999.4 (MANE Select); bases 7 to 22 of the intron after coding-DNA position 2095, GAAACATTTTATAATG replaced by T.
Molecular consequence: intron variant.
Genome position (GRCh38, 1-based): chr5:128,374,606-128,374,621, CATTATAAAATGTTTC replaced by A on the plus strand (GAAACATTTTATAATG replaced by T on the coding strand, the reverse complement: FBN2 is on the minus strand). VCF-style: chr5-128374606-CATTATAAAATGTTTC-A. GRCh37 (hg19) VCF-style: chr5-127710299-CATTATAAAATGTTTC-A.
Identifiers: ClinVar variation 420489 (VCV000420489.1), dbSNP rs1064794511, ClinGen allele CA16618112.

ClinVar aggregate classification (germline): Likely benign (1 of 4 stars; one submission).

Submission:

GeneDx
Classification: Likely benign. Last evaluated: 2016-02-02. Review status: criteria provided, single submitter. Criteria: GeneDx Variant Classification (06012015). Collection method: clinical testing. Allele origin: germline. Affected: yes.
Comment: This variant is considered likely benign or benign based on one or more of the following criteria: it is a conservative change, it occurs at a poorly conserved position in the protein, it is predicted to be benign by multiple in silico algorithms, and/or has population frequency not consistent with disease.